The following is an entry in ClinVar:

ClinVar aggregate classification (germline): Uncertain significance (1 of 4 stars; one submission).

Conditions:
Weaver syndrome (WVS). Also called: Weaver Smith syndrome; Overgrowth syndrome with accelerated skeletal maturation, unusual facies, and camptodactyly. Identifiers: Orphanet 3447, MedGen C0265210, MONDO:0010193, OMIM 277590.

gnomAD v4.1: 14 of 1,602,658 alleles (0.00087%); highest among the groups gnomAD compares: Non-Finnish European, 0.00077%; no homozygotes.

Submission:

Labcorp Genetics (formerly Invitae), Labcorp
Classification: Uncertain significance for Weaver syndrome. Last evaluated: 2025-07-02. Review status: criteria provided, single submitter. Criteria: Invitae Variant Classification Sherloc (09022015). Collection method: clinical testing. Allele origin: germline.
Comment: This sequence change falls in intron 17 of the EZH2 gene. It does not directly change the encoded amino acid sequence of the EZH2 protein. It affects a nucleotide within the consensus splice site. This variant is present in population databases (no rsID available, gnomAD 0.0009%). This variant has not been reported in the literature in individuals affected with EZH2-related conditions. ClinVar contains an entry for this variant (Variation ID: 2811010). Variants that disrupt the consensus splice site are a relatively common cause of aberrant splicing (PMID: 17576681, 9536098). Algorithms developed to predict the effect of sequence changes on RNA splicing suggest that this variant is not likely to affect RNA splicing. In summary, the available evidence is currently insufficient to determine the role of this variant in disease. Therefore, it has been classified as a Variant of Uncertain Significance.

Literature cited by the submitters: PubMed 17576681; PubMed 9536098.

NM_004456.5(EZH2):c.2029+4T>C

Gene: EZH2 (enhancer of zeste 2 polycomb repressive complex 2 subunit; minus strand). Cytogenetic location: 7q36.1.
Variant type: single nucleotide variant.
Coding change: c.2029+4T>C on transcript NM_004456.5 (MANE Select); 4 bases into the intron after coding-DNA position 2029, T replaced by C.
Molecular consequence: intron variant.
Genome position (GRCh38, 1-based): chr7:148,810,329, A>G on the plus strand (T>C on the coding strand, the complement: EZH2 is on the minus strand). VCF-style: chr7-148810329-A-G. GRCh37 (hg19) VCF-style: chr7-148507421-A-G.
Other names: c.1987+4T>C (NM_001203248.2); c.1897+4T>C (NM_152998.3); c.2014+4T>C (NM_001203247.2); c.1861+4T>C (NM_001203249.2).
Identifiers: ClinVar variation 2811010 (VCV002811010.3), dbSNP rs1289326469, ClinGen allele CA578647000.